The following is an entry in ClinVar:

NM_000051.4(ATM):c.2147T>C (p.Val716Ala)

Gene: ATM (ATM serine/threonine kinase; plus strand). Cytogenetic location: 11q22.3.
Variant type: single nucleotide variant.
Coding change: c.2147T>C on transcript NM_000051.4 (MANE Select); coding-DNA position 2147, T replaced by C.
Protein change: p.Val716Ala; replaces valine 716 with alanine.
Molecular consequence: missense variant.
Genome position (GRCh38, 1-based): chr11:108,256,237, T>C. VCF-style: chr11-108256237-T-C. GRCh37 (hg19) VCF-style: chr11-108126964-T-C.
Other names: c.2147T>C, p.Val716Ala (NM_001351834.2); short protein forms V716A.
Identifiers: ClinVar variation 630677 (VCV000630677.10), dbSNP rs864622294, ClinGen allele CA382538718.

ClinVar aggregate classification (germline): Uncertain significance. Review status: criteria provided, multiple submitters, no conflicts (2 of 4 stars). 3 submissions from 3 submitters: Uncertain significance (3). Last evaluated 2025-07-07.

Conditions:
Hereditary cancer-predisposing syndrome. Also called: Tumor predisposition; Neoplastic Syndromes, Hereditary; Hereditary neoplastic syndrome; Hereditary Cancer Syndrome. Identifiers: Orphanet 140162, MedGen C0027672, MeSH D009386, MONDO:0015356.

Submissions (3):

Ambry Genetics
Classification: Uncertain significance for Hereditary cancer-predisposing syndrome. Last evaluated: 2025-07-07. Review status: criteria provided, single submitter. Criteria: Ambry Variant Classification Scheme 2023. Collection method: clinical testing. Allele origin: germline.
Comment: The p.V716A variant (also known as c.2147T>C), located in coding exon 13 of the ATM gene, results from a T to C substitution at nucleotide position 2147. The valine at codon 716 is replaced by alanine, an amino acid with similar properties. This amino acid position is well conserved in available vertebrate species. In addition, this alteration is predicted to be tolerated by in silico analysis. Based on the available evidence, the clinical significance of this variant remains unclear.

Color Diagnostics, LLC DBA Color Health
Classification: Uncertain significance for Hereditary cancer-predisposing syndrome. Last evaluated: 2023-12-04. Review status: criteria provided, single submitter. Criteria: ACMG Guidelines, 2015. Collection method: clinical testing. Allele origin: germline.
Comment: This missense variant replaces valine with alanine at codon 716 of the ATM protein. Computational prediction suggests that this variant may not impact protein structure and function (internally defined REVEL score threshold <= 0.5, PMID: 27666373). To our knowledge, functional studies have not been reported for this variant. This variant has not been reported in individuals affected with ATM-related disorders in the literature. This variant has not been identified in the general population by the Genome Aggregation Database (gnomAD). The available evidence is insufficient to determine the role of this variant in disease conclusively. Therefore, this variant is classified as a Variant of Uncertain Significance.

Institute for Clinical Genetics, University Hospital TU Dresden, University Hospital TU Dresden
Classification: Uncertain significance. Last evaluated: 2021-11-03. Review status: criteria provided, single submitter. Criteria: ACMG Guidelines, 2015. Collection method: clinical testing. Allele origin: germline.